The following is an entry in ClinVar:

NM_002339.3(LSP1):c.654C>A (p.Ser218=)

Gene: LSP1 (lymphocyte specific protein 1; plus strand). Cytogenetic location: 11p15.5.
Variant type: single nucleotide variant.
Coding change: c.654C>A on transcript NM_002339.3 (MANE Select); coding-DNA position 654, C replaced by A.
Protein change: p.Ser218=; no amino-acid change (serine 218 retained).
Molecular consequence: synonymous variant.
Genome position (GRCh38, 1-based): chr11:1,884,518, C>A. VCF-style: chr11-1884518-C-A. GRCh37 (hg19) VCF-style: chr11-1905748-C-A.
Other names: c.468C>A, p.Ser156= (NM_001013253.2, NM_001013254.1, NM_001013255.1 and 1 more transcripts); c.1038C>A, p.Ser346= (NM_001242932.2).
Identifiers: ClinVar variation 2641351 (VCV002641351.24), dbSNP rs183535747, ClinGen allele CA216218310.
Genomic context (GRCh38, chr11:1,884,518, plus strand): 5'-CTTGTGGGAGACATGGGGCCTGACACATCTTCTACCCTCCAGTAACAGTGTGAAGAAATC[C>A]CAGCCAGACTTGCCCATCTCCAAGATTGATCAGTGGCTGGAACAATACACCCAGGCCATC-3'
Protein context (NP_002330.1, residues 208-228): SIEKSNSVKK[Ser218=]QPDLPISKID

ClinVar aggregate classification (germline): Likely benign (1 of 4 stars; one submission).

Allele frequency attached by ClinVar (database versions not stated): TOPMed 0.00001; gnomAD 0.00002; 1000 Genomes Project 30x 0.00016; 1000 Genomes Project 0.00020.
gnomAD v4.1: 32 of 1,613,806 alleles (0.002%); highest among the groups gnomAD compares: Middle Eastern, 0.083%; no homozygotes.

Submission:

CeGaT Center for Human Genetics Tuebingen
Classification: Likely benign. Last evaluated: 2022-04-01. Review status: criteria provided, single submitter. Criteria: CeGaT Center For Human Genetics Tuebingen Variant Classification Criteria Version 2. Collection method: clinical testing. Allele origin: germline. Affected: yes. Observed: 1 variant allele.
Comment: LSP1: BP4, BP7